The following is an entry in ClinVar:

NM_005334.3(HCFC1):c.5210C>G (p.Ala1737Gly)

Gene: HCFC1 (host cell factor C1; minus strand). Cytogenetic location: Xq28.
Variant type: single nucleotide variant.
Coding change: c.5210C>G on transcript NM_005334.3 (MANE Select); coding-DNA position 5210, C replaced by G.
Protein change: p.Ala1737Gly; replaces alanine 1737 with glycine.
Molecular consequence: missense variant.
Genome position (GRCh38, 1-based): chrX:153,951,891, G>C on the plus strand (C>G on the coding strand, the complement: HCFC1 is on the minus strand). VCF-style: chrX-153951891-G-C. GRCh37 (hg19) VCF-style: chrX-153217342-G-C.
Other names: c.5345C>G, p.Ala1782Gly (NM_001410705.1); c.5342C>G, p.Ala1781Gly (NM_001440843.1, NM_001440844.1, NM_001440845.1); c.5339C>G, p.Ala1780Gly (NM_001440846.1); c.5213C>G, p.Ala1738Gly (NM_001440847.1, NM_001440849.1); c.5210C>G, p.Ala1737Gly (NM_001440848.1); c.5144C>G, p.Ala1715Gly (NM_001440850.1); c.5012C>G, p.Ala1671Gly (NM_001440851.1); short protein forms A1781G, A1715G, A1737G, A1738G, A1780G, A1671G, A1782G.
Identifiers: ClinVar variation 4753876 (VCV004753876.1).
Genomic context (GRCh38, chrX:153,951,891, plus strand): 5'-AGTCGCTTACTCTCAGTGGCCGTTGAGGGCAGCAGCGCCACAGTGCTGGGGACCGTGCCG[G>C]CCAGCTCATTGAGGCAATTGCTCTCAATGGCTGGGTCGTTGAGACTGTCGGCAGGGGCCA-3'
Protein context (NP_005325.2, residues 1727-1747): AIESNCLNEL[Ala1737Gly]GTVPSTVALL

ClinVar aggregate classification (germline): Uncertain significance (1 of 4 stars; one submission).

Conditions:
Methylmalonic acidemia with homocystinuria, type cblX (MAHCX). Also called: INTELLECTUAL DEVELOPMENTAL DISORDER, X-LINKED 3. Identifiers: Orphanet 369962, MedGen C0796208, MONDO:0010657, OMIM 309541.

gnomAD v4.1: 3 of 1,194,608 alleles (0.00025%); highest among the groups gnomAD compares: Non-Finnish European, 0.00034%; no homozygotes.

Submission:

Labcorp Genetics (formerly Invitae), Labcorp
Classification: Uncertain significance for Methylmalonic acidemia with homocystinuria, type cblX. Last evaluated: 2025-09-30. Review status: criteria provided, single submitter. Criteria: Invitae Variant Classification Sherloc (09022015). Collection method: clinical testing. Allele origin: germline.
Comment: This sequence change replaces alanine, which is neutral and non-polar, with glycine, which is neutral and non-polar, at codon 1737 of the HCFC1 protein (p.Ala1737Gly). This variant is not present in population databases (gnomAD no frequency). This variant has not been reported in the literature in individuals affected with HCFC1-related conditions. An algorithm developed to predict the effect of missense changes on protein structure and function (PolyPhen-2) suggests that this variant is likely to be tolerated. In summary, the available evidence is currently insufficient to determine the role of this variant in disease. Therefore, it has been classified as a Variant of Uncertain Significance.